The following is an entry in ClinVar:

NM_001999.4(FBN2):c.4757G>A (p.Arg1586Gln)

Gene: FBN2 (fibrillin 2; minus strand). Cytogenetic location: 5q23.3.
Variant type: single nucleotide variant.
Coding change: c.4757G>A on transcript NM_001999.4 (MANE Select); coding-DNA position 4757, G replaced by A.
Protein change: p.Arg1586Gln; replaces arginine 1586 with glutamine.
Molecular consequence: missense variant.
Genome position (GRCh38, 1-based): chr5:128,312,756, C>T on the plus strand (G>A on the coding strand, the complement: FBN2 is on the minus strand). VCF-style: chr5-128312756-C-T. GRCh37 (hg19) VCF-style: chr5-127648448-C-T.
Other names: short protein forms R1586Q.
Identifiers: ClinVar variation 213333 (VCV000213333.11), dbSNP rs143195229, ClinGen allele CA321323.
Genomic context (GRCh38, chr5:128,312,756, plus strand): 5'-CATGAAGAGCGACTGACGCCCACCCCGATCTCGGTGTTGCAAGACAGACTCCCATCTCCT[C>T]GAGGTCCAAACTTCAGGTAGCAGTTGCCCACACGGTTGTCTGCAGAGCAACAAAGGAGCT-3'
Protein context (NP_001990.2, residues 1576-1596): VGNCYLKFGP[Arg1586Gln]GDGSLSCNTE

ClinVar aggregate classification (germline): Conflicting classifications of pathogenicity. Review status: criteria provided, conflicting classifications (1 of 4 stars). 3 submissions from 3 submitters: Uncertain significance (2); Likely benign (1). Last evaluated 2025-12-30.

Conditions:
Cardiovascular phenotype. Identifiers: MedGen CN230736.
Congenital contractural arachnodactyly (CCA). Also called: Beals-Hecht syndrome; BEALS SYNDROME; Arthrogryposis, distal, type 9. Identifiers: Orphanet 115, MedGen C0220668, MONDO:0007363, OMIM 121050.

gnomAD v4.1: 10 of 1,613,784 alleles (0.00062%); highest among the groups gnomAD compares: South Asian, 0.0011%; no homozygotes.

Submissions (3):

Labcorp Genetics (formerly Invitae), Labcorp
Classification: Likely benign for Congenital contractural arachnodactyly. Last evaluated: 2025-12-30. Review status: criteria provided, single submitter. Criteria: Invitae Variant Classification Sherloc (09022015). Collection method: clinical testing. Allele origin: germline.

GeneDx
Classification: Uncertain significance. Last evaluated: 2025-10-08. Review status: criteria provided, single submitter. Criteria: GeneDx Variant Classification Process June 2021. Collection method: clinical testing. Allele origin: germline. Affected: yes.
Comment: Not observed at significant frequency in large population cohorts (gnomAD); In silico analysis supports that this missense variant has a deleterious effect on protein structure/function; Has not been previously published as pathogenic or benign to our knowledge

Ambry Genetics
Classification: Uncertain significance for Cardiovascular phenotype. Last evaluated: 2013-01-31. Review status: criteria provided, single submitter. Criteria: Ambry Autosomal Dominant and X-Linked criteria (10/2015). Collection method: clinical testing. Allele origin: germline. Observed: 1 variant allele.
Comment: Co-segregation data for this variant is currently unavailable. This variant has not been detected in conjunction with a pathogenic mutation to date. Allele frequency data in population-based cohorts is not currently available. This amino acid position is well conserved in available vertebrate species except for wallaby and opossum, and the flanking regions are also fairly conserved.This alteration is predicted to be benign with a score of 0.275 (sensitivity: 0.87; specificity: 0.74)This alteration is predicted to be tolerated with a score of 0.590 (conservation: 1.62)